The following is an entry in ClinVar:

ClinVar aggregate classification (germline): Uncertain significance (1 of 4 stars; one submission).

Conditions:
Autosomal recessive distal spinal muscular atrophy 1. Also called: SEVERE INFANTILE AXONAL NEUROPATHY WITH RESPIRATORY FAILURE; SPINAL MUSCULAR ATROPHY, DIAPHRAGMATIC; Spinal muscular atrophy with respiratory distress 1; NEURONOPATHY, SEVERE INFANTILE AXONAL, WITH RESPIRATORY FAILURE; NEURONOPATHY, DISTAL HEREDITARY MOTOR, HARDING TYPE VI; NEUROPATHY, DISTAL HEREDITARY MOTOR, AUTOSOMAL RECESSIVE 1. Identifiers: Orphanet 98920, MedGen C1858517, MONDO:0011436, OMIM 604320.
Charcot-Marie-Tooth disease axonal type 2S. Also called: CHARCOT-MARIE-TOOTH NEUROPATHY, TYPE 2S; CHARCOT-MARIE-TOOTH DISEASE, AXONAL, AUTOSOMAL RECESSIVE, TYPE 2S. Identifiers: Orphanet 443073, MedGen C4015349, MONDO:0014511, OMIM 616155.

gnomAD v4.1: 5 of 1,614,170 alleles (0.00031%); highest among the groups gnomAD compares: Non-Finnish European, 0.00042%; no homozygotes.

Submission:

Labcorp Genetics (formerly Invitae), Labcorp
Classification: Uncertain significance for Autosomal recessive distal spinal muscular atrophy 1; Charcot-Marie-Tooth disease axonal type 2S. Last evaluated: 2021-10-20. Review status: criteria provided, single submitter. Criteria: Invitae Variant Classification Sherloc (09022015). Collection method: clinical testing. Allele origin: germline.
Comment: This sequence change replaces arginine with lysine at codon 555 of the IGHMBP2 protein (p.Arg555Lys). The arginine residue is weakly conserved and there is a small physicochemical difference between arginine and lysine. This variant is not present in population databases (ExAC no frequency). In summary, the available evidence is currently insufficient to determine the role of this variant in disease. Therefore, it has been classified as a Variant of Uncertain Significance. Advanced modeling of protein sequence and biophysical properties (such as structural, functional, and spatial information, amino acid conservation, physicochemical variation, residue mobility, and thermodynamic stability) performed at Invitae indicates that this missense variant is not expected to disrupt IGHMBP2 protein function. This variant has not been reported in the literature in individuals affected with IGHMBP2-related conditions.

NM_002180.3(IGHMBP2):c.1664G>A (p.Arg555Lys)

Gene: IGHMBP2 (immunoglobulin mu DNA binding protein 2; plus strand). Cytogenetic location: 11q13.3.
Variant type: single nucleotide variant.
Coding change: c.1664G>A on transcript NM_002180.3 (MANE Select); coding-DNA position 1664, G replaced by A.
Protein change: p.Arg555Lys; replaces arginine 555 with lysine.
Molecular consequence: missense variant.
Genome position (GRCh38, 1-based): chr11:68,935,330, G>A. VCF-style: chr11-68935330-G-A. GRCh37 (hg19) VCF-style: chr11-68702798-G-A.
Other names: short protein forms R555K.
Identifiers: ClinVar variation 1493444 (VCV001493444.6), dbSNP rs2154008764, ClinGen allele CA381651075.